The following is an entry in ClinVar:

NM_007294.4(BRCA1):c.3723T>C (p.Ser1241=)

Genes: BRCA1 (BRCA1 DNA repair associated; minus strand), LOC126862571 (BRD4-independent group 4 enhancer GRCh37_chr17:41243136-41244335; plus strand). Cytogenetic location: 17q21.31.
Variant type: single nucleotide variant.
Coding change: c.3723T>C on transcript NM_007294.4 (MANE Select); coding-DNA position 3723, T replaced by C.
Protein change: p.Ser1241=; no amino-acid change (serine 1241 retained).
Molecular consequence: synonymous variant. On other transcripts: intron variant (135).
Genome position (GRCh38, 1-based): chr17:43,091,808, A>G on the plus strand (T>C on the coding strand, the complement: BRCA1 is on the minus strand). VCF-style: chr17-43091808-A-G. GRCh37 (hg19) VCF-style: chr17-41243825-A-G.
Other names: c.3510T>C, p.Ser1170= (NM_001407571.1, NM_001407853.1, NM_001407894.1 and 9 more transcripts); c.3723T>C, p.Ser1241= (NM_001407581.1, NM_001407582.1, NM_001407583.1 and 30 more transcripts); c.3720T>C, p.Ser1240= (NM_001407587.1, NM_001407590.1, NM_001407591.1 and 22 more transcripts); c.3714T>C, p.Ser1238= (NM_001407646.1, NM_001407647.1); c.3600T>C, p.Ser1200= (NM_001407648.1, NM_001407664.1, NM_001407665.1 and 19 more transcripts); c.3597T>C, p.Ser1199= (NM_001407649.1, NM_001407670.1, NM_001407671.1 and 11 more transcripts); c.3645T>C, p.Ser1215= (NM_001407653.1, NM_001407654.1, NM_001407655.1 and 4 more transcripts); c.3642T>C, p.Ser1214= (NM_001407659.1, NM_001407660.1, NM_001407661.1 and 1 more transcripts); and 41 more.
Identifiers: ClinVar variation 427290 (VCV000427290.6), dbSNP rs772759939, ClinGen allele CA059256.

ClinVar aggregate classification (germline): Likely benign. Review status: reviewed by expert panel (3 of 4 stars). 2 submissions from 2 submitters: Likely benign (1). 1 of the submissions does not count toward it. Last evaluated 2017-06-29.

Conditions:
Hereditary cancer-predisposing syndrome. Also called: Neoplastic Syndromes, Hereditary; Hereditary neoplastic syndrome; Tumor predisposition; Hereditary Cancer Syndrome. Identifiers: Orphanet 140162, MedGen C0027672, MeSH D009386, MONDO:0015356.
Breast-ovarian cancer, familial, susceptibility to, 1 (BROVCA1). Also called: BRCA1 Hereditary Breast and Ovarian Cancer; OVARIAN CANCER, SUSCEPTIBILITY TO. Identifiers: Orphanet 145, MedGen C2676676, MONDO:0011450, OMIM 604370. Disease mechanism: loss of function.

Allele frequency attached by ClinVar (database versions not stated): gnomAD exomes below 0.00001; ExAC 0.00001.
gnomAD v4.1: 2 of 1,614,206 alleles (0.00012%); highest among the groups gnomAD compares: Non-Finnish European, 0.00017%; no homozygotes.

Submissions (2):

Evidence-based Network for the Interpretation of Germline Mutant Alleles (ENIGMA)
Classification: Likely benign for Breast-ovarian cancer, familial, susceptibility to, 1. Last evaluated: 2017-06-29. Review status: reviewed by expert panel. Criteria: ENIGMA BRCA1/2 Classification Criteria (2017-06-29). Collection method: curation. Allele origin: germline.
Comment: Synonymous substitution variant, with low bioinformatic likelihood to result in a splicing aberration (Splicing prior probability 0.02).

Ambry Genetics
Classification: Likely benign for Hereditary cancer-predisposing syndrome. Last evaluated: 2019-10-17. Review status: criteria provided, single submitter. Criteria: Ambry Variant Classification Scheme 2023. Collection method: clinical testing. Allele origin: germline. Not counted in ClinVar's aggregate classification.